The following is an entry in ClinVar:

NM_025216.3(WNT10A):c.216G>T (p.Met72Ile)

Gene: WNT10A (Wnt family member 10A; plus strand). Cytogenetic location: 2q35.
Variant type: single nucleotide variant.
Coding change: c.216G>T on transcript NM_025216.3 (MANE Select); coding-DNA position 216, G replaced by T.
Protein change: p.Met72Ile; replaces methionine 72 with isoleucine.
Molecular consequence: missense variant.
Genome position (GRCh38, 1-based): chr2:218,882,263, G>T. VCF-style: chr2-218882263-G-T. GRCh37 (hg19) VCF-style: chr2-219746985-G-T.
Other names: short protein forms M72I.
Identifiers: ClinVar variation 464180 (VCV000464180.8), dbSNP rs373607885, ClinGen allele CA2113862.

ClinVar aggregate classification (germline): Uncertain significance. Review status: criteria provided, multiple submitters, no conflicts (2 of 4 stars). 3 submissions from 3 submitters: Uncertain significance (2). 1 of the submissions does not count toward it. Last evaluated 2025-01-16.

Conditions:
Tooth agenesis, selective, 4 (STHAG4). Also called: SUCCEDANEOUS TEETH, AGENESIS OF; TOOTH AGENESIS, SELECTIVE, 4, WITH OR WITHOUT ECTODERMAL DYSPLASIA; LATERAL INCISORS, ABSENCE OF; LATERAL INCISORS, PEGGED OR MISSING. Identifiers: Orphanet 99798, MedGen C1835492, MONDO:0007881, OMIM 150400. Disease mechanism: loss of function.
Odonto-onycho-dermal dysplasia. Identifiers: Orphanet 2721, MedGen C0796093, MONDO:0009773, OMIM 257980.
Inborn genetic diseases. Identifiers: MedGen C0950123, MeSH D030342.
Schöpf-Schulz-Passarge syndrome. Also called: ECCRINE TUMORS WITH ECTODERMAL DYSPLASIA; KERATOSIS PALMOPLANTARIS WITH CYSTIC EYELIDS, HYPODONTIA, AND HYPOTRICHOSIS; SchC6pf-Schulz-Passarge syndrome. Identifiers: Orphanet 50944, MedGen C1857069, MONDO:0009145, OMIM 224750.

Allele frequency attached by ClinVar (database versions not stated): ExAC 0.00002; ESP Exome Variant Server 0.00008; TOPMed 0.00014; gnomAD 0.00016.

Submissions (3):

Ambry Genetics
Classification: Uncertain significance for Inborn genetic diseases. Last evaluated: 2025-01-16. Review status: criteria provided, single submitter. Criteria: Ambry Variant Classification Scheme 2023. Collection method: clinical testing. Allele origin: germline.

Labcorp Genetics (formerly Invitae), Labcorp
Classification: Uncertain significance for Tooth agenesis, selective, 4; Odonto-onycho-dermal dysplasia. Last evaluated: 2022-05-25. Review status: criteria provided, single submitter. Criteria: Invitae Variant Classification Sherloc (09022015). Collection method: clinical testing. Allele origin: germline.
Comment: This sequence change replaces methionine, which is neutral and non-polar, with isoleucine, which is neutral and non-polar, at codon 72 of the WNT10A protein (p.Met72Ile). This variant is present in population databases (rs373607885, gnomAD 0.03%). This variant has not been reported in the literature in individuals affected with WNT10A-related conditions. ClinVar contains an entry for this variant (Variation ID: 464180). Algorithms developed to predict the effect of missense changes on protein structure and function (SIFT, PolyPhen-2, Align-GVGD) all suggest that this variant is likely to be tolerated. In summary, the available evidence is currently insufficient to determine the role of this variant in disease. Therefore, it has been classified as a Variant of Uncertain Significance.

Natera, Inc.
Classification: Uncertain significance for Schopf-Schulz-Passarge syndrome. Last evaluated: 2019-11-11. Review status: no assertion criteria provided. Collection method: clinical testing. Allele origin: germline. Not counted in ClinVar's aggregate classification.